The following is an entry in ClinVar:

NC_000007.14:g.66089612del

Gene: ASL (argininosuccinate lyase; plus strand). Cytogenetic location: 7q11.21.
Variant type: Deletion.
Genome position: GRCh38 VCF-style: chr7-66089610-AG-A. GRCh37 (hg19) VCF-style: chr7-65554597-AG-A.
Identifiers: ClinVar variation 649877 (VCV000649877.8), dbSNP rs1584032751, ClinGen allele CA915944931.

ClinVar aggregate classification (germline): Pathogenic (1 of 4 stars; one submission).

Conditions:
Argininosuccinate lyase deficiency. Also called: ARGININOSUCCINIC ACID LYASE DEFICIENCY; ASL DEFICIENCY; Argininosuccinic aciduria. Identifiers: Orphanet 23, MedGen C0268547, MONDO:0008815, OMIM 207900, HP:0025630.

Submission:

Labcorp Genetics (formerly Invitae), Labcorp
Classification: Pathogenic for Argininosuccinate lyase deficiency. Last evaluated: 2023-01-07. Review status: criteria provided, single submitter. Criteria: Invitae Variant Classification Sherloc (09022015). Collection method: clinical testing. Allele origin: germline.
Comment: This sequence change creates a premature translational stop signal (p.Glu327Argfs*13) in the ASL gene. It is expected to result in an absent or disrupted protein product. Loss-of-function variants in ASL are known to be pathogenic (PMID: 2263616, 24166829). This variant is not present in population databases (gnomAD no frequency). This variant has not been reported in the literature in individuals affected with ASL-related conditions. ClinVar contains an entry for this variant (Variation ID: 649877). Algorithms developed to predict the effect of sequence changes on RNA splicing suggest that this variant may disrupt the consensus splice site. For these reasons, this variant has been classified as Pathogenic.

Literature cited by the submitters: PubMed 2263616; PubMed 24166829.